The following is an entry in ClinVar:

NM_205768.3(ZBTB18):c.985_1002dup (p.Glu334_Leu335insAspSerValLeuArgGlu)

Gene: ZBTB18 (zinc finger and BTB domain containing 18; plus strand). Cytogenetic location: 1q44.
Variant type: Duplication.
Coding change: c.985_1002dup on transcript NM_205768.3 (MANE Select); coding-DNA positions 985 to 1002, 18 bases duplicated (GACTCGGTCTTGAGGGAG).
Protein change: p.Glu334_Leu335insAspSerValLeuArgGlu.
Molecular consequence: inframe insertion. On other transcripts: 3 prime UTR variant (1).
Genome position (GRCh38, 1-based): chr1:244,054,759-244,054,776, GACTCGGTCTTGAGGGAG duplicated; duplicating any 18 consecutive bases within chr1:244,054,751-244,054,776 gives the same sequence; the c. name uses the placement nearest the transcript's 3' end. VCF-style (leftmost placement, unchanged base first): chr1-244054750-C-CTGAGGGAGGACTCGGTCT. GRCh37 (hg19) VCF-style: chr1-244218052-C-CTGAGGGAGGACTCGGTCT.
Other names: c.958_975dup, p.Glu325_Leu326insAspSerValLeuArgGlu (NM_001278196.2, NM_006352.5); c.*162_*179dup (NM_001421566.1).
Identifiers: ClinVar variation 2754946 (VCV002754946.2), dbSNP rs750356195, ClinGen allele CA1484371.

ClinVar aggregate classification (germline): Uncertain significance (1 of 4 stars; one submission).

Submission:

Labcorp Genetics (formerly Invitae), Labcorp
Classification: Uncertain significance. Last evaluated: 2023-07-29. Review status: criteria provided, single submitter. Criteria: Invitae Variant Classification Sherloc (09022015). Collection method: clinical testing. Allele origin: germline.
Comment: This variant has not been reported in the literature in individuals affected with ZBTB18-related conditions. In summary, the available evidence is currently insufficient to determine the role of this variant in disease. Therefore, it has been classified as a Variant of Uncertain Significance. Experimental studies and prediction algorithms are not available or were not evaluated, and the functional significance of this variant is currently unknown. This variant is present in population databases (rs750356195, gnomAD 0.002%). This variant, c.985_1002dup, results in the insertion of 6 amino acid(s) of the ZBTB18 protein (p.Asp329_Glu334dup), but otherwise preserves the integrity of the reading frame.